The following is an entry in ClinVar:

NC_000018.9(TXNL4A):g.77748604_77748637del34

Genes: TXNL4A (thioredoxin like 4A; minus strand), LOC130062794 (ATAC-STARR-seq lymphoblastoid silent region 9585; plus strand). Cytogenetic location: 18q23.
Variant type: Deletion.
Molecular consequence: intron variant (on NM_001305564.2).
Genome position: GRCh38: chr18:79,988,607-79,988,640. GRCh37 (hg19): chr18:77,748,607-77,748,640.
Other names: c.-60-10936_-60-10903del (NM_001305564.2, NM_001305563.2).
Identifiers: ClinVar variation 190413 (VCV000190413.7), dbSNP rs786205699, ClinGen allele CA199691.

ClinVar aggregate classification (germline): Pathogenic/Likely pathogenic. Review status: criteria provided, multiple submitters, no conflicts (2 of 4 stars). 4 submissions from 4 submitters: Pathogenic (1); Likely pathogenic (2). 1 of the submissions does not count toward it. Last evaluated 2022-12-22.

Conditions:
TXNL4A-related disorder. Also called: TXNL4A-related condition.
Choanal atresia-hearing loss-cardiac defects-craniofacial dysmorphism syndrome (BMKS). Also called: Branchio oculo facial syndrome Hing type; Burn-McKeown syndrome; OCULOOTOFACIAL DYSPLASIA; Burn-McKeown Syndrome (BMKS). Identifiers: Orphanet 1200, MedGen C1837822, MONDO:0012064, OMIM 608572.

Submissions (4):

PreventionGenetics, part of Exact Sciences
Classification: Likely pathogenic for TXNL4A-related condition. Last evaluated: 2022-12-22. Review status: criteria provided, single submitter. Criteria: ACMG Guidelines, 2015. Collection method: clinical testing. Allele origin: germline.
Comment: The TXNL4A c.-245_-212del34 variant is located in the 5' untranslated region. This deletion, referred to as the type 2 promoter deletion, has been reported in the homozygous state in multiple unrelated individuals with Burn-McKeown syndrome (Wieczorek et al. 2014. PubMed ID: 25434003; Goos et al. 2017. PubMed ID: 28905882; Narayanan et al. 2020. PubMed ID: 32187816). Functional studies found this variants reduces the activity of the putative TXNL4A promoter (Wieczorek et al. 2014. PubMed ID: 25434003). This variant is reported in 0.064% of alleles in individuals of East Asian descent in gnomAD. This variant is interpreted as likely pathogenic.

Department of Pathology and Laboratory Medicine, Sinai Health System
Classification: Likely pathogenic for Choanal atresia-hearing loss-cardiac defects-craniofacial dysmorphism syndrome. Last evaluated: 2022-04-06. Review status: criteria provided, single submitter. Criteria: ACMG Guidelines, 2015. Collection method: research. Allele origin: germline.

Institute of Human Genetics Munich, TUM University Hospital
Classification: Pathogenic for Burn-Mckeown syndrome. Last evaluated: 2014-12-02. Review status: criteria provided, single submitter. Criteria: Submitter's publication. Collection method: research. Allele origin: germline. Affected: yes. Observed: 1 homozygote.

GeneReviews
No classification provided. Condition: Choanal atresia-hearing loss-cardiac defects-craniofacial dysmorphism syndrome. Review status: no classification provided. Collection method: literature only. Allele origin: germline. Affected: yes. Not counted in ClinVar's aggregate classification.
Comment: Type 2 promoter deletion

Literature cited by the submitters: PubMed 25434003 (cited by GeneReviews); NCBI Bookshelf NBK373577 (cited by GeneReviews).